The following is an entry in ClinVar:

NM_018082.6(POLR3B):c.2817+34C>G

Gene: POLR3B (RNA polymerase III subunit B; plus strand). Cytogenetic location: 12q23.3.
Variant type: single nucleotide variant.
Coding change: c.2817+34C>G on transcript NM_018082.6 (MANE Select); 34 bases into the intron after coding-DNA position 2817, C replaced by G.
Molecular consequence: intron variant.
Genome position (GRCh38, 1-based): chr12:106,496,192, C>G. VCF-style: chr12-106496192-C-G. GRCh37 (hg19) VCF-style: chr12-106889970-C-G.
Other names: c.2643+34C>G (NM_001160708.2).
Identifiers: ClinVar variation 4992784 (VCV004992784.1).

ClinVar aggregate classification (germline): Likely benign (1 of 4 stars; one submission).

Conditions:
POLR3B-related disorder. Also called: POLR3B-related condition; POLR3B-related disorders. Identifiers: MedGen CN378588, MONDO:0700277.

gnomAD v4.1: 2 of 1,266,114 alleles (0.00016%); highest among the groups gnomAD compares: Non-Finnish European, 0.00023%; no homozygotes.

Submission:

PreventionGenetics, part of Exact Sciences
Classification: Likely benign for POLR3B-related condition. Last evaluated: 2025-08-22. Review status: criteria provided, single submitter. Criteria: ACMG Guidelines, 2015. Collection method: clinical testing. Allele origin: germline.
Comment: This variant is classified as likely benign based on ACMG/AMP sequence variant interpretation guidelines (Richards et al. 2015 PMID: 25741868, with internal and published modifications).